The following is an entry in ClinVar:

ClinVar aggregate classification (germline): Uncertain significance (1 of 4 stars; one submission).

Conditions:
Aortic aneurysm, familial thoracic 7 (AAT7). Also called: AORTIC DISSECTION, FAMILIAL, WITH OR WITHOUT AORTIC ANEURYSM. Identifiers: MedGen C3151077, MONDO:0013418, OMIM 613780.

Allele frequency attached by ClinVar (database versions not stated): gnomAD exomes below 0.00001; ExAC 0.00001.
gnomAD v4.1: 4 of 1,614,248 alleles (0.00025%); highest among the groups gnomAD compares: Non-Finnish European, 0.00034%; no homozygotes.

Submission:

Labcorp Genetics (formerly Invitae), Labcorp
Classification: Uncertain significance for Aortic aneurysm, familial thoracic 7. Last evaluated: 2021-08-14. Review status: criteria provided, single submitter. Criteria: Invitae Variant Classification Sherloc (09022015). Collection method: clinical testing. Allele origin: germline.
Comment: This sequence change replaces valine with methionine at codon 892 of the MYLK protein (p.Val892Met). The valine residue is highly conserved and there is a small physicochemical difference between valine and methionine. This variant is present in population databases (rs769601826, ExAC 0.002%). This variant has not been reported in the literature in individuals affected with MYLK-related conditions. Advanced modeling of protein sequence and biophysical properties (such as structural, functional, and spatial information, amino acid conservation, physicochemical variation, residue mobility, and thermodynamic stability) performed at Invitae indicates that this missense variant is not expected to disrupt MYLK protein function. In summary, the available evidence is currently insufficient to determine the role of this variant in disease. Therefore, it has been classified as a Variant of Uncertain Significance.

NM_053025.4(MYLK):c.2674G>A (p.Val892Met)

Gene: MYLK (myosin light chain kinase; minus strand). Cytogenetic location: 3q21.1.
Variant type: single nucleotide variant.
Coding change: c.2674G>A on transcript NM_053025.4 (MANE Select); coding-DNA position 2674, G replaced by A.
Protein change: p.Val892Met; replaces valine 892 with methionine.
Molecular consequence: missense variant.
Genome position (GRCh38, 1-based): chr3:123,700,794, C>T on the plus strand (G>A on the coding strand, the complement: MYLK is on the minus strand). VCF-style: chr3-123700794-C-T. GRCh37 (hg19) VCF-style: chr3-123419641-C-T.
Other names: c.2146G>A, p.Val716Met (NM_001321309.2); c.2467G>A, p.Val823Met (NM_053026.4, NM_053028.4); c.2674G>A, p.Val892Met (NM_053027.4); short protein forms V892M, V716M, V823M.
Identifiers: ClinVar variation 1509845 (VCV001509845.5), dbSNP rs769601826, ClinGen allele CA068869.